The following is an entry in ClinVar:

NC_000017.11:g.(?_8002902)_(8016550_?)del

Gene: GUCY2D (guanylate cyclase 2D, retinal; plus strand). Cytogenetic location: 17p13.1.
Variant type: Deletion.
Identifiers: ClinVar variation 584235 (VCV000584235.2).

ClinVar aggregate classification (germline): Pathogenic (1 of 4 stars; one submission).

Conditions:
Cone-rod dystrophy 6 (CORD6). Also called: Cone dystrophy progressive; RETINAL CONE DYSTROPHY 2. Identifiers: Orphanet 1872, MedGen C1866293, MONDO:0011143, OMIM 601777.
Leber congenital amaurosis 1 (LCA1). Also called: Congenital absence of the rods and cones; Leber's congenital tapetoretinal degeneration; Leber's congenital tapetoretinal dysplasia; RETINAL BLINDNESS, CONGENITAL; AMAUROSIS CONGENITA OF LEBER I. Identifiers: Orphanet 65, MedGen C2931258, MONDO:0008764, OMIM 204000.

Submission:

Labcorp Genetics (formerly Invitae), Labcorp
Classification: Pathogenic for Leber congenital amaurosis 1; Cone-rod dystrophy 6. Last evaluated: 2018-06-25. Review status: criteria provided, single submitter. Criteria: Invitae Variant Classification Sherloc (09022015). Collection method: clinical testing. Allele origin: germline.
Comment: A gross deletion of the genomic region encompassing the full coding sequence of the GUCY2D gene has been identified. The boundaries of this event are unknown as the deletion extends beyond the assayed region for this gene and therefore may encompass additional genes. This variant has not been reported in the literature in individuals with GUCY2D-related disease. Loss-of-function variants in GUCY2D are known to be pathogenic (PMID: 10951519, 11328726). For these reasons, this variant has been classified as Pathogenic.

Literature cited by the submitters: PubMed 10951519; PubMed 11328726.